The following is an entry in ClinVar:

ClinVar aggregate classification (germline): Conflicting classifications of pathogenicity. Review status: criteria provided, conflicting classifications (1 of 4 stars). 3 submissions from 3 submitters: Likely pathogenic (1); Uncertain significance (2). Last evaluated 2025-03-07.

Conditions:
Hereditary breast ovarian cancer syndrome. Also called: Hereditary breast and ovarian cancer syndrome; Hereditary breast and ovarian cancer; Hereditary breast and ovarian cancer syndrome (HBOC); Breast and ovarian cancer; Hereditary breast and/or ovarian cancer syndrome; BRCA1- and BRCA2-Associated Hereditary Breast and Ovarian Cancer. Identifiers: Orphanet 145, MedGen C0677776, MeSH D061325, MONDO:0003582. Disease mechanism: loss of function.
Breast-ovarian cancer, familial, susceptibility to, 1 (BROVCA1). Also called: OVARIAN CANCER, SUSCEPTIBILITY TO; BRCA1 Hereditary Breast and Ovarian Cancer. Identifiers: Orphanet 145, MedGen C2676676, MONDO:0011450, OMIM 604370. Disease mechanism: loss of function.
Hereditary cancer-predisposing syndrome. Also called: Neoplastic Syndromes, Hereditary; Tumor predisposition; Hereditary neoplastic syndrome; Hereditary Cancer Syndrome. Identifiers: Orphanet 140162, MedGen C0027672, MeSH D009386, MONDO:0015356.

gnomAD v4.1: 3 of 1,612,646 alleles (0.00019%); highest among the groups gnomAD compares: Non-Finnish European, 0.00025%; no homozygotes.

Submissions (3):

Ambry Genetics
Classification: Uncertain significance for Hereditary cancer-predisposing syndrome. Last evaluated: 2025-03-07. Review status: criteria provided, single submitter. Criteria: Ambry Variant Classification Scheme 2023. Collection method: clinical testing. Allele origin: germline.
Comment: The c.670+1G>A intronic variant results from a G to A substitution one nucleotide after coding exon 8 of the BRCA1 gene. This alteration is located at the canonical splice donor site which is skipped in one of the natural in-frame minor isoforms (known in the literature as BRCA1 delta 9-10) (Colombo M et al. Hum Mol Genet. 2014; 23:3666-80). This nucleotide position is well conserved in available vertebrate species. In silico splice site analysis predicts that this alteration will weaken the native splice donor site. Alterations that disrupt the canonical splice site are expected to cause aberrant splicing, resulting in an abnormal protein or a transcript that is subject to nonsense-mediated mRNA decay. However, in BRCA1, the pathogenicity of alterations at canonical splice sites of exons that are skipped in the naturally occurring delta 9-10 in-frame minor isoform have yet to be determined, as they may be partially functional (de la Hoya M et al. Hum. Mol. Genet. April 2016). As such, the clinical significance of this alteration remains unclear.

Labcorp Genetics (formerly Invitae), Labcorp
Classification: Uncertain significance for Hereditary breast ovarian cancer syndrome. Last evaluated: 2024-01-29. Review status: criteria provided, single submitter. Criteria: Invitae Variant Classification Sherloc (09022015). Collection method: clinical testing. Allele origin: germline.
Comment: This sequence change affects a donor splice site in intron 9 of the BRCA1 gene. Loss-of-function variants in BRCA1 are expected to be pathogenic (PMID: 20104584). However, an in-frame BRCA1 isoform lacking exons 8 and 9 (also known as exons 9 and 10) is highly expressed in blood from unaffected individuals and in normal breast tissue; this isoform may retain protein function and could functionally rescue loss-of-function variants within exons 8-9 (PMID: 24569164). This variant is not present in population databases (gnomAD no frequency). Disruption of this splice site has been observed in individual(s) with a personal and/or family history of breast or ovarian cancer (PMID: 30254663). ClinVar contains an entry for this variant (Variation ID: 1755007). Studies have shown that disruption of this splice site is associated with altered splicing resulting in multiple RNA products (PMID: 24569164, 27008870; Invitae). In summary, the available evidence is currently insufficient to determine the role of this variant in disease. Therefore, it has been classified as a Variant of Uncertain Significance.

Baylor Genetics
Classification: Likely pathogenic for Breast-ovarian cancer, familial, susceptibility to, 1. Last evaluated: 2022-03-29. Review status: criteria provided, single submitter. Criteria: ACMG Guidelines, 2015. Collection method: clinical testing. Allele origin: unknown.

Literature cited by the submitters: PubMed 20104584 (cited by Labcorp Genetics (formerly Invitae), Labcorp); PubMed 24569164 (cited by Labcorp Genetics (formerly Invitae), Labcorp); PubMed 30254663 (cited by Labcorp Genetics (formerly Invitae), Labcorp); PubMed 27008870 (cited by Labcorp Genetics (formerly Invitae), Labcorp).

NM_007294.4(BRCA1):c.670+1G>A

Gene: BRCA1 (BRCA1 DNA repair associated; minus strand). Cytogenetic location: 17q21.31.
Variant type: single nucleotide variant.
Coding change: c.670+1G>A on transcript NM_007294.4 (MANE Select); the canonical splice donor site of the intron after coding-DNA position 670, G replaced by A.
Molecular consequence: splice donor variant. On other transcripts: intron variant (115).
Genome position (GRCh38, 1-based): chr17:43,095,845, C>T on the plus strand (G>A on the coding strand, the complement: BRCA1 is on the minus strand). VCF-style: chr17-43095845-C-T. GRCh37 (hg19) VCF-style: chr17-41247862-C-T.
Other names: c.670+1G>A (NM_001407641.1, NM_001407624.1, NM_001407858.1 and 58 more transcripts); c.167-985G>A (NM_001407965.1, NM_001408512.1); c.404-985G>A (NM_001407930.1, NM_001408504.1, NM_001407936.1 and 5 more transcripts); c.526+1G>A (NM_001407843.1, NM_001408465.1, NM_001408463.1 and 26 more transcripts); c.529+1G>A (NM_001408456.1, NM_001407733.1, NM_001407942.1 and 43 more transcripts); c.460+1G>A (NM_001408482.1, NM_001408489.1, NM_001408479.1 and 27 more transcripts); c.407-985G>A (NM_001407920.1, NM_001408499.1, NM_001407933.1 and 15 more transcripts); c.335-985G>A (NM_001407954.1, NM_001407958.1, NM_001407955.1 and 3 more transcripts); and 17 more.
Identifiers: ClinVar variation 1755007 (VCV001755007.7), dbSNP rs398122706, ClinGen allele CA10600756.
Genomic context (GRCh38, chr17:43,095,845, plus strand): 5'-CAGTACTGTATCTACCCACTCTCTTTTCAGTGCCTGTTAAGTTGGCAAACTTTGCCATTA[C>T]CCTTTTTTGCAGAATCCAAACTGATTTCATCCCTGGTTCCTTGAGGGGTGATTTGTAACA-3'